The following is an entry in ClinVar:

ClinVar aggregate classification (germline): Benign (1 of 4 stars; one submission).

Conditions:
Platelet-type bleeding disorder 9 (BDPLT9). Also called: GLYCOPROTEIN Ia DEFICIENCY; GP Ia DEFICIENCY; COLLAGEN PLATELET RECEPTOR DEFICIENCY. Identifiers: Orphanet 73271, Orphanet 98886, MedGen C3280114, MONDO:0013622, OMIM 614200.

Allele frequency attached by ClinVar (database versions not stated): gnomAD 0.00135 and 0.00136; 1000 Genomes Project 0.00140; TOPMed 0.00159.

Submission:

Illumina Laboratory Services, Illumina
Classification: Benign for Platelet-type bleeding disorder 9. Last evaluated: 2018-01-13. Review status: criteria provided, single submitter. Criteria: ICSL Variant Classification Criteria 13 December 2019. Collection method: clinical testing. Allele origin: germline.
Comment: This variant was observed in the ICSL laboratory as part of a predisposition screen in an ostensibly healthy population. It had not been previously curated by ICSL or reported in the Human Gene Mutation Database (HGMD: prior to June 1st, 2018), and was therefore a candidate for classification through an automated scoring system. Utilizing variant allele frequency, disease prevalence and penetrance estimates, and inheritance mode, an automated score was calculated to assess if this variant is too frequent to cause the disease. Based on the score and internal cut-off values, a variant classified as benign is not then subjected to further curation. The score for this variant resulted in a classification of benign for this disease.

NM_002203.4(ITGA2):c.*2075A>G

Gene: ITGA2 (integrin subunit alpha 2; plus strand). Cytogenetic location: 5q11.2.
Variant type: single nucleotide variant.
Coding change: c.*2075A>G on transcript NM_002203.4 (MANE Select); 2075 bases downstream of the stop codon, A replaced by G.
Molecular consequence: 3 prime UTR variant. On other transcripts: non-coding transcript variant (5).
Genome position (GRCh38, 1-based): chr5:53,092,674, A>G. VCF-style: chr5-53092674-A-G. GRCh37 (hg19) VCF-style: chr5-52388504-A-G.
Identifiers: ClinVar variation 353816 (VCV000353816.5), dbSNP rs188770677, ClinGen allele CA10624689.